The following is an entry in ClinVar:

NM_000540.3(RYR1):c.8663G>A (p.Arg2888Gln)

Gene: RYR1 (ryanodine receptor 1; plus strand). Cytogenetic location: 19q13.2.
Variant type: single nucleotide variant.
Coding change: c.8663G>A on transcript NM_000540.3 (MANE Select); coding-DNA position 8663, G replaced by A.
Protein change: p.Arg2888Gln; replaces arginine 2888 with glutamine.
Molecular consequence: missense variant.
Genome position (GRCh38, 1-based): chr19:38,506,517, G>A. VCF-style: chr19-38506517-G-A. GRCh37 (hg19) VCF-style: chr19-38997157-G-A.
Other names: c.8663G>A, p.Arg2888Gln (NM_001042723.2); short protein forms R2888Q.
Identifiers: ClinVar variation 2163768 (VCV002163768.4), dbSNP rs1568513553, ClinGen allele CA405680124.

ClinVar aggregate classification (germline): Uncertain significance (1 of 4 stars; one submission).

Conditions:
RYR1-related disorder. Also called: RYR1-related condition; RYR1-related disorders. Identifiers: MedGen CN239331.

gnomAD v4.1: 3 of 1,614,070 alleles (0.00019%); highest among the groups gnomAD compares: Admixed American, 0.0017%; no homozygotes.

Submission:

Labcorp Genetics (formerly Invitae), Labcorp
Classification: Uncertain significance for RYR1-related disorder. Last evaluated: 2022-08-03. Review status: criteria provided, single submitter. Criteria: Invitae Variant Classification Sherloc (09022015). Collection method: clinical testing. Allele origin: germline.
Comment: In summary, the available evidence is currently insufficient to determine the role of this variant in disease. Therefore, it has been classified as a Variant of Uncertain Significance. Advanced modeling of protein sequence and biophysical properties (such as structural, functional, and spatial information, amino acid conservation, physicochemical variation, residue mobility, and thermodynamic stability) performed at Invitae indicates that this missense variant is not expected to disrupt RYR1 protein function. This variant has not been reported in the literature in individuals affected with RYR1-related conditions. This variant is present in population databases (no rsID available, gnomAD 0.003%). This sequence change replaces arginine, which is basic and polar, with glutamine, which is neutral and polar, at codon 2888 of the RYR1 protein (p.Arg2888Gln).